The following is an entry in ClinVar:

ClinVar aggregate classification (germline): Uncertain significance (1 of 4 stars; one submission).

Submission:

Labcorp Genetics (formerly Invitae), Labcorp
Classification: Uncertain significance. Last evaluated: 2025-12-10. Review status: criteria provided, single submitter. Criteria: Invitae Variant Classification Sherloc (09022015). Collection method: clinical testing. Allele origin: germline.
Comment: This variant, c.3294_3308dup, results in the insertion of 5 amino acid(s) of the CRB2 protein (p.His1099_Cys1103dup), but otherwise preserves the integrity of the reading frame. This variant is present in population databases (no rsID available, gnomAD 0.002%). This variant has not been reported in the literature in individuals affected with CRB2-related conditions. In summary, the available evidence is currently insufficient to determine the role of this variant in disease. Therefore, it has been classified as a Variant of Uncertain Significance.

NM_173689.7(CRB2):c.3294_3308dup (p.Cys1103_Ala1104insHisSerAlaProCys)

Gene: CRB2 (crumbs cell polarity complex component 2; plus strand). Cytogenetic location: 9q33.3.
Variant type: Duplication.
Coding change: c.3294_3308dup on transcript NM_173689.7 (MANE Select); coding-DNA positions 3294 to 3308, 15 bases duplicated (TCACTCCGCCCCCTG).
Protein change: p.Cys1103_Ala1104insHisSerAlaProCys.
Molecular consequence: inframe insertion. On other transcripts: non-coding transcript variant (1).
Genome position (GRCh38, 1-based): chr9:123,373,825-123,373,839, TCACTCCGCCCCCTG duplicated; duplicating any 15 consecutive bases within chr9:123,373,819-123,373,839 gives the same sequence; the c. name uses the placement nearest the transcript's 3' end. VCF-style (leftmost placement, unchanged base first): chr9-123373818-A-ACCCCTGTCACTCCGC. GRCh37 (hg19) VCF-style: chr9-126136097-A-ACCCCTGTCACTCCGC.
Identifiers: ClinVar variation 4694136 (VCV004694136.1).